The following is an entry in ClinVar:

ClinVar aggregate classification (germline): Uncertain significance (1 of 4 stars; one submission).

Conditions:
Epileptic encephalopathy. Identifiers: MedGen C0543888, HP:0200134.

gnomAD v4.1: 2 of 1,560,212 alleles (0.00013%); highest among the groups gnomAD compares: Non-Finnish European, 0.00017%; no homozygotes.

Submission:

Labcorp Genetics (formerly Invitae), Labcorp
Classification: Uncertain significance for Epileptic encephalopathy. Last evaluated: 2024-11-27. Review status: criteria provided, single submitter. Criteria: Invitae Variant Classification Sherloc (09022015). Collection method: clinical testing. Allele origin: germline.
Comment: This sequence change replaces tyrosine, which is neutral and polar, with cysteine, which is neutral and slightly polar, at codon 2288 of the FASN protein (p.Tyr2288Cys). The frequency data for this variant in the population databases is considered unreliable, as metrics indicate poor data quality at this position in the gnomAD database. This variant has not been reported in the literature in individuals affected with FASN-related conditions. An algorithm developed to predict the effect of missense changes on protein structure and function (PolyPhen-2) suggests that this variant is likely to be disruptive. In summary, the available evidence is currently insufficient to determine the role of this variant in disease. Therefore, it has been classified as a Variant of Uncertain Significance.

NM_004104.5(FASN):c.6863A>G (p.Tyr2288Cys)

Gene: FASN (fatty acid synthase; minus strand). Cytogenetic location: 17q25.3.
Variant type: single nucleotide variant.
Coding change: c.6863A>G on transcript NM_004104.5 (MANE Select); coding-DNA position 6863, A replaced by G.
Protein change: p.Tyr2288Cys; replaces tyrosine 2288 with cysteine.
Molecular consequence: missense variant.
Genome position (GRCh38, 1-based): chr17:82,080,554, T>C on the plus strand (A>G on the coding strand, the complement: FASN is on the minus strand). VCF-style: chr17-82080554-T-C. GRCh37 (hg19) VCF-style: chr17-80038430-T-C.
Other names: short protein forms Y2288C.
Identifiers: ClinVar variation 3690418 (VCV003690418.2).